The following is an entry in ClinVar:

ClinVar aggregate classification (germline): Pathogenic (1 of 4 stars; one submission).

Conditions:
Inborn genetic diseases. Identifiers: MedGen C0950123, MeSH D030342.

Submission:

Ambry Genetics
Classification: Pathogenic for Inborn genetic diseases. Last evaluated: 2025-12-18. Review status: criteria provided, single submitter. Criteria: Ambry Variant Classification Scheme 2023. Collection method: clinical testing. Allele origin: germline.
Comment: The c.335_338delTGCCinsGGG pathogenic mutation, located in coding exon 3 of the RUNX1 gene, results from the deletion of 4 nucleotides and insertion of 3 nucleotides causing a translational frameshift with a predicted alternate stop codon (p.L112Rfs*10). This variant is considered to be rare based on population cohorts in the Genome Aggregation Database (gnomAD). This alteration is expected to result in loss of function by premature protein truncation or nonsense-mediated mRNA decay. As such, this alteration is interpreted as a disease-causing mutation.

NM_001754.5(RUNX1):c.335_338delinsGGG (p.Leu112fs)

Gene: RUNX1 (RUNX family transcription factor 1; minus strand). Cytogenetic location: 21q22.12.
Variant type: Indel.
Coding change: c.335_338delinsGGG on transcript NM_001754.5 (MANE Select); coding-DNA positions 335 to 338, TGCC replaced by GGG.
Protein change: p.Leu112fs; shifts the reading frame from leucine 112.
Molecular consequence: frameshift variant.
Genome position (GRCh38, 1-based): chr21:34,886,856-34,886,859, GGCA replaced by CCC on the plus strand (TGCC replaced by GGG on the coding strand, the reverse complement: RUNX1 is on the minus strand). VCF-style: chr21-34886856-GGCA-CCC. GRCh37 (hg19) VCF-style: chr21-36259153-GGCA-CCC.
Other names: c.254_257delinsGGG, p.Leu85fs (NM_001001890.3, NM_001122607.2); short protein forms L112fs, L85fs.
Identifiers: ClinVar variation 4843702 (VCV004843702.1).